The following is an entry in ClinVar:

NM_003737.4(DCHS1):c.400G>A (p.Ala134Thr)

Gene: DCHS1 (dachsous cadherin-related 1; minus strand). Cytogenetic location: 11p15.4.
Variant type: single nucleotide variant.
Coding change: c.400G>A on transcript NM_003737.4 (MANE Select); coding-DNA position 400, G replaced by A.
Protein change: p.Ala134Thr; replaces alanine 134 with threonine.
Molecular consequence: missense variant.
Genome position (GRCh38, 1-based): chr11:6,641,214, C>T on the plus strand (G>A on the coding strand, the complement: DCHS1 is on the minus strand). VCF-style: chr11-6641214-C-T. GRCh37 (hg19) VCF-style: chr11-6662445-C-T.
Other names: short protein forms A134T.
Identifiers: ClinVar variation 4702748 (VCV004702748.1).

ClinVar aggregate classification (germline): Uncertain significance (1 of 4 stars; one submission).

gnomAD v4.1: 2 of 1,613,720 alleles (0.00012%); highest among the groups gnomAD compares: Non-Finnish European, 0.00017%; no homozygotes.

Submission:

Labcorp Genetics (formerly Invitae), Labcorp
Classification: Uncertain significance. Last evaluated: 2026-01-27. Review status: criteria provided, single submitter. Criteria: Invitae Variant Classification Sherloc (09022015). Collection method: clinical testing. Allele origin: germline.
Comment: This sequence change replaces alanine, which is neutral and non-polar, with threonine, which is neutral and polar, at codon 134 of the DCHS1 protein (p.Ala134Thr). This variant is not present in population databases (gnomAD no frequency). This variant has not been reported in the literature in individuals affected with DCHS1-related conditions. Invitae Evidence Modeling of protein sequence and biophysical properties (such as structural, functional, and spatial information, amino acid conservation, physicochemical variation, residue mobility, and thermodynamic stability) indicates that this missense variant is not expected to disrupt DCHS1 protein function with a negative predictive value of 95%. In summary, the available evidence is currently insufficient to determine the role of this variant in disease. Therefore, it has been classified as a Variant of Uncertain Significance.